The following is an entry in ClinVar:

NM_003482.4(KMT2D):c.13395G>A (p.Lys4465=)

Gene: KMT2D (lysine methyltransferase 2D; minus strand). Cytogenetic location: 12q13.12.
Variant type: single nucleotide variant.
Coding change: c.13395G>A on transcript NM_003482.4 (MANE Select); coding-DNA position 13395, G replaced by A.
Protein change: p.Lys4465=; no amino-acid change (lysine 4465 retained).
Molecular consequence: synonymous variant.
Genome position (GRCh38, 1-based): chr12:49,031,310, C>T on the plus strand (G>A on the coding strand, the complement: KMT2D is on the minus strand). VCF-style: chr12-49031310-C-T. GRCh37 (hg19) VCF-style: chr12-49425093-C-T.
Identifiers: ClinVar variation 1140091 (VCV001140091.11), dbSNP rs750452391, ClinGen allele CA6546033.
Genomic context (GRCh38, chr12:49,031,310, plus strand): 5'-AGCTCGCAGCCCCTCGGACCCCCGCCCAGTGCTGAGTTGCACATTCTTTGCCCGGAGTAG[C>T]TTCTGCAAGAGCAGATGCCCAGCTTCTGAGCGAGGGCCTGCCAGCAGGAGGTGGTTGCTG-3'
Protein context (NP_003473.3, residues 4455-4475): RSEAGHLLLQ[Lys4465=]LLRAKNVQLS

ClinVar aggregate classification (germline): Likely benign. Review status: criteria provided, multiple submitters, no conflicts (2 of 4 stars). 2 submissions from 2 submitters: Likely benign (2). Last evaluated 2026-06-01.

Conditions:
Kabuki syndrome. Also called: Kabuki make-up syndrome; NIIKAWA-KUROKI SYNDROME. Identifiers: Orphanet 2322, MedGen C0796004, MONDO:0016512.

Allele frequency attached by ClinVar (database versions not stated): gnomAD exomes below 0.00001; ExAC 0.00001.
gnomAD v4.1: 2 of 1,613,614 alleles (0.00012%); highest among the groups gnomAD compares: Admixed American, 0.0017%; no homozygotes.

Submissions (2):

CeGaT Center for Human Genetics Tuebingen
Classification: Likely benign. Last evaluated: 2026-06-01. Review status: criteria provided, single submitter. Criteria: CeGaT Center For Human Genetics Tuebingen Variant Classification Criteria Version 2. Collection method: clinical testing. Allele origin: germline. Affected: yes. Observed: 1 variant allele.
Comment: KMT2D: BP4, BP7

Labcorp Genetics (formerly Invitae), Labcorp
Classification: Likely benign for Kabuki syndrome. Last evaluated: 2019-07-29. Review status: criteria provided, single submitter. Criteria: Invitae Variant Classification Sherloc (09022015). Collection method: clinical testing. Allele origin: germline.